The following continues an entry in ClinVar:

NM_000051.4(ATM):c.8968G>A (p.Glu2990Lys)

ClinVar aggregate classification (germline): Conflicting classifications of pathogenicity. Uncertain significance (8); Likely benign (4).

Submission 13 of 13:

Department of Pathology and Laboratory Medicine, Sinai Health System
Classification: Uncertain significance for Malignant tumor of breast. Review status: no assertion criteria provided. Collection method: clinical testing. Allele origin: unknown. Affected: yes. Observed: 1 variant allele. Study: The Canadian Open Genetics Repository (COGR). Not counted in ClinVar's aggregate classification.
Comment: The ATM p.Glu2990Lys variant was identified in 1 of 2520 proband chromosomes (frequency: 0.000397) from individuals or families with Lynch syndrome (Yurgelun 2015). The variant was also identified in dbSNP (ID: rs1800558) as â€šÃ„ÃºWith Uncertain significance alleleâ€šÃ„Ã¹, ClinVar (as uncertain significance by GeneDx, Ambry Genetics, Invitae, and Color Genomics), and Clinvitae (3x as uncertain significance), databases. The variant was not identified in Cosmic, MutDB, LOVD 3.0 databases. The variant was identified in control databases in 13 of 277140 chromosomes at a frequency of 0.000047 (Genome Aggregation Database Feb 27, 2017). Breakdown of the observations by population include European (Non-Finnish) in 2 of 126628 chromosomes (freq: 0.000016), and Ashkenazi Jewish in 11 of 10150 chromosomes (freq: 0.001084), while the variant was not observed in the African, Other, Latino, East Asian, European (Finnish), and South Asian populations. The variant was identified with a co-occurring pathogenic BRCA1 variant (p.Gln1756ProfsX74), increasing the likelihood that the p.Glu2990Lys variant does not have clinical significance. The p.Glu2990Lys residue is conserved in mammals but not in more distantly related organisms however four out of five computational analyses (PolyPhen-2, SIFT, AlignGVGD, BLOSUM, MutationTaster) do not suggest a high likelihood of impact to the protein; this information is not predictive enough to rule out pathogenicity. The variant occurs outside of the splicing consensus sequence and in silico or computational prediction software programs (SpliceSiteFinder, MaxEntScan, NNSPLICE, GeneSplicer, HumanSpliceFinder) do not predict a difference in splicing. In summary, based on the above information the clinical significance of this variant cannot be determined with certainty at this time. This variant is classified as a variant of uncertain significance.

Literature cited by the submitters: PubMed 25980754 (cited by 4 submitters); PubMed 26689913 (cited by 3 submitters); PubMed 29368341 (cited by 4 submitters); PubMed 33471991 (cited by 3 submitters); PubMed 31970404 (cited by Women's Health and Genetics/Laboratory Corporation of America, LabCorp); PubMed 34326862 (cited by Women's Health and Genetics/Laboratory Corporation of America, LabCorp and Color Diagnostics, LLC DBA Color Health); PubMed 40105422 (cited by Women's Health and Genetics/Laboratory Corporation of America, LabCorp); PubMed 29684080 (cited by Ambry Genetics); PubMed 32885271 (cited by Ambry Genetics); PubMed 38136308 (cited by Color Diagnostics, LLC DBA Color Health).